The following is an entry in ClinVar:

NM_020693.4(DSCAML1):c.1631T>C (p.Leu544Pro)

Gene: DSCAML1 (DS cell adhesion molecule like 1; minus strand). Cytogenetic location: 11q23.3.
Variant type: single nucleotide variant.
Coding change: c.1631T>C on transcript NM_020693.4 (MANE Select); coding-DNA position 1631, T replaced by C.
Protein change: p.Leu544Pro; replaces leucine 544 with proline.
Molecular consequence: missense variant.
Genome position (GRCh38, 1-based): chr11:117,516,619, A>G on the plus strand (T>C on the coding strand, the complement: DSCAML1 is on the minus strand). VCF-style: chr11-117516619-A-G. GRCh37 (hg19) VCF-style: chr11-117387334-A-G.
Other names: c.1631T>C, p.Leu544Pro (NM_001367904.1); short protein forms L544P.
Identifiers: ClinVar variation 3626006 (VCV003626006.2).
Genomic context (GRCh38, chr11:117,516,619, plus strand): 5'-ACGTCAGTCAGCTTGAGGGTCCCATTCTCAAACACCACCTGGCGGTGGTTGTCTGGCAGC[A>G]GCAGGGCATCCTTGTACCACTTGATGGAGTAGTAGGGATAGCCGATGACCCTGCAGTTGA-3'
Protein context (NP_065744.3, residues 534-554): YSIKWYKDAL[Leu544Pro]LPDNHRQVVF

ClinVar aggregate classification (germline): Uncertain significance (1 of 4 stars; one submission).

gnomAD v4.1: 16 of 1,613,966 alleles (0.00099%); highest among the groups gnomAD compares: Non-Finnish European, 0.0012%; no homozygotes.

Submission:

Labcorp Genetics (formerly Invitae), Labcorp
Classification: Uncertain significance. Last evaluated: 2024-04-03. Review status: criteria provided, single submitter. Criteria: Invitae Variant Classification Sherloc (09022015). Collection method: clinical testing. Allele origin: germline.
Comment: This sequence change replaces leucine, which is neutral and non-polar, with proline, which is neutral and non-polar, at codon 604 of the DSCAML1 protein (p.Leu604Pro). This variant is present in population databases (rs767591467, gnomAD 0.002%). This variant has not been reported in the literature in individuals affected with DSCAML1-related conditions. An algorithm developed to predict the effect of missense changes on protein structure and function (PolyPhen-2) suggests that this variant is likely to be tolerated. In summary, the available evidence is currently insufficient to determine the role of this variant in disease. Therefore, it has been classified as a Variant of Uncertain Significance.